The following is an entry in ClinVar:

NM_006393.3(NEBL):c.858G>C (p.Leu286Phe)

Gene: NEBL (nebulette; minus strand). Cytogenetic location: 10p12.31.
Variant type: single nucleotide variant.
Coding change: c.858G>C on transcript NM_006393.3 (MANE Select); coding-DNA position 858, G replaced by C.
Protein change: p.Leu286Phe; replaces leucine 286 with phenylalanine.
Molecular consequence: missense variant. On other transcripts: intron variant (9).
Genome position (GRCh38, 1-based): chr10:20,858,285, C>G on the plus strand (G>C on the coding strand, the complement: NEBL is on the minus strand). VCF-style: chr10-20858285-C-G. GRCh37 (hg19) VCF-style: chr10-21147214-C-G.
Other names: c.250-45345G>C (NM_001377326.1, NM_001377327.1, NM_001377328.1); c.358-45345G>C (NM_213569.2, NM_001173484.2, NM_001377322.1); c.301-45345G>C (NM_001377324.1); c.292-45345G>C (NM_001377325.1); c.310-45345G>C (NM_001377323.1); short protein forms L286F.
Identifiers: ClinVar variation 2956925 (VCV002956925.3), dbSNP rs765274802, ClinGen allele CA5433076.

ClinVar aggregate classification (germline): Uncertain significance (1 of 4 stars; one submission).

Conditions:
Primary dilated cardiomyopathy (DCM). Also called: Dilated Cardiomyopathy. Identifiers: Orphanet 217604, MedGen C0007193, MeSH D002311, MONDO:0005021, HP:0001644. Inheritance: Various modes of inheritance.

Allele frequency attached by ClinVar (database versions not stated): TOPMed below 0.00001; ExAC 0.00002.

Submission:

Labcorp Genetics (formerly Invitae), Labcorp
Classification: Uncertain significance for Primary dilated cardiomyopathy. Last evaluated: 2024-04-10. Review status: criteria provided, single submitter. Criteria: Invitae Variant Classification Sherloc (09022015). Collection method: clinical testing. Allele origin: germline.
Comment: This sequence change replaces leucine, which is neutral and non-polar, with phenylalanine, which is neutral and non-polar, at codon 286 of the NEBL protein (p.Leu286Phe). This variant is present in population databases (rs765274802, gnomAD 0.006%). This variant has not been reported in the literature in individuals affected with NEBL-related conditions. An algorithm developed to predict the effect of missense changes on protein structure and function (PolyPhen-2) suggests that this variant is likely to be tolerated. In summary, the available evidence is currently insufficient to determine the role of this variant in disease. Therefore, it has been classified as a Variant of Uncertain Significance.